The following is an entry in ClinVar:

ClinVar aggregate classification (germline): Uncertain significance. Review status: criteria provided, single submitter (1 of 4 stars). 2 submissions from 2 submitters: Uncertain significance (1). 1 of the submissions does not count toward it. Last evaluated 2021-08-19.

Conditions:
IFT172-related disorder. Also called: IFT172-related condition; IFT172-related disorders.

Submissions (2):

Blueprint Genetics
Classification: Uncertain significance. Last evaluated: 2021-08-19. Review status: criteria provided, single submitter. Criteria: ACMG Guidelines, 2015. Collection method: clinical testing. Allele origin: germline.

PreventionGenetics, part of Exact Sciences
Classification: Uncertain significance for IFT172-related condition. Last evaluated: 2024-01-31. Review status: no assertion criteria provided. Collection method: clinical testing. Allele origin: germline. Not counted in ClinVar's aggregate classification.
Comment: The IFT172 c.5188G>T variant is predicted to result in the amino acid substitution p.Val1730Leu. To our knowledge, this variant has not been reported in the literature or in a large population database, indicating this variant is rare. At this time, the clinical significance of this variant is uncertain due to the absence of conclusive functional and genetic evidence.

NM_015662.3(IFT172):c.5188G>T (p.Val1730Leu)

Genes: IFT172 (intraflagellar transport 172; minus strand), KRTCAP3 (keratinocyte associated protein 3; plus strand). Cytogenetic location: 2p23.3.
Variant type: single nucleotide variant.
Coding change: c.5188G>T on transcript NM_015662.3 (MANE Select); coding-DNA position 5188, G replaced by T.
Protein change: p.Val1730Leu; replaces valine 1730 with leucine.
Molecular consequence: missense variant. On other transcripts: intron variant (1).
Genome position (GRCh38, 1-based): chr2:27,444,494, C>A on the plus strand (G>T on the coding strand, the complement: IFT172 is on the minus strand). VCF-style: chr2-27444494-C-A. GRCh37 (hg19) VCF-style: chr2-27667361-C-A.
Other names: c.5122G>T, p.Val1708Leu (NM_001410739.1); c.*5+433C>A (NM_001168364.2); short protein forms V1708L, V1730L.
Identifiers: ClinVar variation 3353370 (VCV003353370.2).
Genomic context (GRCh38, chr2:27,444,494, plus strand): 5'-ACTGAAAGGAAAAGCTGGTGCTGGGGAGCCCTCCACACCACTGACTGATGAATTTCAGCA[C>A]GTCCTGGCACACTGGGCTGTGGGAGGTCTGTGAGCAAATGGAAGAACATGAGAGGAACTT-3'
Protein context (NP_056477.1, residues 1720-1740): KTSHSPVCQD[Val1730Leu]LKFISQWCGG